The following is an entry in ClinVar:

ClinVar aggregate classification (germline): Uncertain significance (1 of 4 stars; one submission).

Submission:

Labcorp Genetics (formerly Invitae), Labcorp
Classification: Uncertain significance. Last evaluated: 2025-02-25. Review status: criteria provided, single submitter. Criteria: Invitae Variant Classification Sherloc (09022015). Collection method: clinical testing. Allele origin: germline.
Comment: This variant, c.75_83dup, results in the insertion of 3 amino acid(s) of the ADGRA3 protein (p.Ala26_Leu28dup), but otherwise preserves the integrity of the reading frame. The frequency data for this variant in the population databases is considered unreliable, as metrics indicate insufficient coverage at this position in the gnomAD database. This variant has not been reported in the literature in individuals affected with ADGRA3-related conditions. ClinVar contains an entry for this variant (Variation ID: 1923003). In summary, the available evidence is currently insufficient to determine the role of this variant in disease. Therefore, it has been classified as a Variant of Uncertain Significance.

NM_145290.4(ADGRA3):c.75_83dup (p.Leu28_Gly29insAlaLeuLeu)

Gene: ADGRA3 (adhesion G protein-coupled receptor A3; minus strand). Cytogenetic location: 4p15.2.
Variant type: Duplication.
Coding change: c.75_83dup on transcript NM_145290.4 (MANE Select); coding-DNA positions 75 to 83, 9 bases duplicated (CGCGCTGCT; older notation c.75_83dupCGCGCTGCT).
Protein change: p.Leu28_Gly29insAlaLeuLeu.
Molecular consequence: inframe insertion.
Genome position (GRCh38, 1-based): chr4:22,515,702-22,515,710, AGCAGCGCG duplicated on the plus strand (CGCGCTGCT on the coding strand, the reverse complement: ADGRA3 is on the minus strand); duplicating any 9 consecutive bases within chr4:22,515,702-22,515,718 gives the same sequence; the c. name uses the placement nearest the transcript's 3' end. VCF-style (leftmost placement, unchanged base first): chr4-22515701-C-CAGCAGCGCG. GRCh37 (hg19) VCF-style: chr4-22517324-C-CAGCAGCGCG.
Identifiers: ClinVar variation 1923003 (VCV001923003.5), dbSNP rs1023136142, ClinGen allele CA94061043.
Genomic context (GRCh38, chr4:22,515,701, plus strand): 5'-CCGCCCATCGTGCTTGCAGCCGGCGGGCAGCGCCGCGGCGCCGCCGCCGCCGCCGCCTCC[C>CAGCAGCGCG]AGCAGCGCGAGCAGCGCTAACAGCGAGAGCGGCAGCAACAGCGGCGGCTGCGCGCGGCCC-3'